The following is an entry in ClinVar:

ClinVar aggregate classification (germline): Uncertain significance. Review status: criteria provided, multiple submitters, no conflicts (2 of 4 stars). 3 submissions from 3 submitters: Uncertain significance (3). Last evaluated 2023-08-16.

Conditions:
Familial cancer of breast. Also called: BREAST CANCER, FAMILIAL; Hereditary breast cancer; hereditary breast carcinoma. Identifiers: Orphanet 227535, MedGen C0346153, MONDO:0016419, OMIM 114480. Disease mechanism: loss of function.
Hereditary cancer-predisposing syndrome. Also called: Tumor predisposition; Hereditary Cancer Syndrome; Hereditary neoplastic syndrome; Neoplastic Syndromes, Hereditary. Identifiers: Orphanet 140162, MedGen C0027672, MeSH D009386, MONDO:0015356.

Allele frequency attached by ClinVar (database versions not stated): gnomAD exomes below 0.00001; TOPMed below 0.00001; gnomAD 0.00001.
gnomAD v4.1: 2 of 1,610,972 alleles (0.00012%); highest among the groups gnomAD compares: Non-Finnish European, 0.00017%; no homozygotes.

Submissions (3):

Labcorp Genetics (formerly Invitae), Labcorp
Classification: Uncertain significance for Familial cancer of breast. Last evaluated: 2023-08-16. Review status: criteria provided, single submitter. Criteria: Invitae Variant Classification Sherloc (09022015). Collection method: clinical testing. Allele origin: germline.
Comment: This variant is not present in population databases (gnomAD no frequency). This sequence change replaces tyrosine, which is neutral and polar, with histidine, which is basic and polar, at codon 79 of the PALB2 protein (p.Tyr79His). In summary, the available evidence is currently insufficient to determine the role of this variant in disease. Therefore, it has been classified as a Variant of Uncertain Significance. Algorithms developed to predict the effect of missense changes on protein structure and function output the following: SIFT: "Not Available"; PolyPhen-2: "Benign"; Align-GVGD: "Not Available". The histidine amino acid residue is found in multiple mammalian species, which suggests that this missense change does not adversely affect protein function. ClinVar contains an entry for this variant (Variation ID: 410117). This variant has not been reported in the literature in individuals affected with PALB2-related conditions.

Ambry Genetics
Classification: Uncertain significance for Hereditary cancer-predisposing syndrome. Last evaluated: 2022-10-03. Review status: criteria provided, single submitter. Criteria: Ambry Variant Classification Scheme 2023. Collection method: clinical testing. Allele origin: germline.
Comment: The p.Y79H variant (also known as c.235T>C), located in coding exon 4 of the PALB2 gene, results from a T to C substitution at nucleotide position 235. The tyrosine at codon 79 is replaced by histidine, an amino acid with similar properties. This amino acid position is conserved. In addition, this alteration is predicted to be tolerated by in silico analysis. Since supporting evidence is limited at this time, the clinical significance of this alteration remains unclear.

Color Diagnostics, LLC DBA Color Health
Classification: Uncertain significance for Hereditary cancer-predisposing syndrome. Last evaluated: 2021-09-02. Review status: criteria provided, single submitter. Criteria: ACMG Guidelines, 2015. Collection method: clinical testing. Allele origin: germline.
Comment: This missense variant replaces tyrosine with histidine at codon 79 of the PALB2 protein. Computational prediction suggests that this variant may not impact protein structure and function (internally defined REVEL score threshold <= 0.5, PMID: 27666373). To our knowledge, functional studies have not been reported for this variant. This variant has not been reported in individuals affected with hereditary cancer in the literature. This variant has not been identified in the general population by the Genome Aggregation Database (gnomAD). The available evidence is insufficient to determine the role of this variant in disease conclusively. Therefore, this variant is classified as a Variant of Uncertain Significance.

NM_024675.4(PALB2):c.235T>C (p.Tyr79His)

Gene: PALB2 (partner and localizer of BRCA2; minus strand). Cytogenetic location: 16p12.2.
Variant type: single nucleotide variant.
Coding change: c.235T>C on transcript NM_024675.4 (MANE Select); coding-DNA position 235, T replaced by C.
Protein change: p.Tyr79His; replaces tyrosine 79 with histidine.
Molecular consequence: missense variant.
Genome position (GRCh38, 1-based): chr16:23,636,311, A>G on the plus strand (T>C on the coding strand, the complement: PALB2 is on the minus strand). VCF-style: chr16-23636311-A-G. GRCh37 (hg19) VCF-style: chr16-23647632-A-G.
Other names: short protein forms Y79H.
Identifiers: ClinVar variation 410117 (VCV000410117.17), dbSNP rs1060502740, ClinGen allele CA16614878.